The following is an entry in ClinVar:

ClinVar aggregate classification (germline): Conflicting classifications of pathogenicity. Review status: criteria provided, conflicting classifications (1 of 4 stars). 2 submissions from 2 submitters: Uncertain significance (1); Likely benign (1). Last evaluated 2023-10-01.

Allele frequency attached by ClinVar (database versions not stated): TOPMed 0.00001; ExAC 0.00002.

Submissions (2):

CeGaT Center for Human Genetics Tuebingen
Classification: Likely benign. Last evaluated: 2023-10-01. Review status: criteria provided, single submitter. Criteria: CeGaT Center For Human Genetics Tuebingen Variant Classification Criteria Version 2. Collection method: clinical testing. Allele origin: germline. Affected: yes. Observed: 1 variant allele.
Comment: ZNF225: BP4

Ambry Genetics
Classification: Uncertain significance. Last evaluated: 2022-12-21. Review status: criteria provided, single submitter. Criteria: Ambry Variant Classification Scheme 2023. Collection method: clinical testing. Allele origin: germline.

NM_013362.4(ZNF225):c.19G>A (p.Ala7Thr)

Gene: ZNF225 (zinc finger protein 225; plus strand). Cytogenetic location: 19q13.31.
Variant type: single nucleotide variant.
Coding change: c.19G>A on transcript NM_013362.4 (MANE Select); coding-DNA position 19, G replaced by A.
Protein change: p.Ala7Thr; replaces alanine 7 with threonine.
Molecular consequence: missense variant.
Genome position (GRCh38, 1-based): chr19:44,118,191, G>A. VCF-style: chr19-44118191-G-A. GRCh37 (hg19) VCF-style: chr19-44622344-G-A.
Other names: c.19G>A, p.Ala7Thr (NM_001321685.2); short protein forms A7T.
Identifiers: ClinVar variation 2381221 (VCV002381221.26), dbSNP rs762873425, ClinGen allele CA9496311.